The following is an entry in ClinVar:

ClinVar aggregate classification (germline): Pathogenic (1 of 4 stars; one submission).

Conditions:
Granulomatous disease, chronic, autosomal recessive, cytochrome b-positive, type 3. Also called: Granulomatous disease, chronic, autosomal recessive, cytochrome b-positive, type III; GRANULOMATOUS DISEASE, CHRONIC, DUE TO NCF4 DEFICIENCY; GRANULOMATOUS DISEASE, CHRONIC, AUTOSOMAL RECESSIVE, 3; CGD, AUTOSOMAL RECESSIVE CYTOCHROME b-POSITIVE, TYPE III. Identifiers: Orphanet 379, MedGen C3151409, MONDO:0013507, OMIM 613960.

Submission:

Labcorp Genetics (formerly Invitae), Labcorp
Classification: Pathogenic for Granulomatous disease, chronic, autosomal recessive, cytochrome b-positive, type 3. Last evaluated: 2025-03-17. Review status: criteria provided, single submitter. Criteria: Invitae Variant Classification Sherloc (09022015). Collection method: clinical testing. Allele origin: germline.
Comment: This sequence change creates a premature translational stop signal (p.Leu86Cysfs*12) in the NCF4 gene. It is expected to result in an absent or disrupted protein product. Loss-of-function variants in NCF4 are known to be pathogenic (PMID: 16880254, 19692703, 20167518). This variant is not present in population databases (gnomAD no frequency). This variant has not been reported in the literature in individuals affected with NCF4-related conditions. ClinVar contains an entry for this variant (Variation ID: 1933256). For these reasons, this variant has been classified as Pathogenic.

Literature cited by the submitters: PubMed 16880254; PubMed 19692703; PubMed 20167518.

NM_000631.5(NCF4):c.256del (p.Leu86fs)

Genes: NCF4 (neutrophil cytosolic factor 4; plus strand), NCF4-AS1 (NCF4 antisense RNA 1; minus strand). Cytogenetic location: 22q12.3.
Variant type: Deletion.
Coding change: c.256del on transcript NM_000631.5 (MANE Select); coding-DNA position 256, one base deleted (C; older notation c.256delC).
Protein change: p.Leu86fs; shifts the reading frame from leucine 86.
Molecular consequence: frameshift variant.
Genome position (GRCh38, 1-based): chr22:36,865,057, C deleted; the last of 3 consecutive C bases (chr22:36,865,055-36,865,057); deleting any one gives the same sequence. VCF-style (leftmost placement, unchanged base first): chr22-36865054-AC-A. GRCh37 (hg19) VCF-style: chr22-37261096-AC-A.
Other names: c.256del, p.Leu86fs (NM_013416.4); short protein forms L86fs.
Identifiers: ClinVar variation 1933256 (VCV001933256.5), dbSNP rs1327793505, ClinGen allele CA752872838.